The following is an entry in ClinVar:

ClinVar aggregate classification (germline): Pathogenic. Review status: criteria provided, multiple submitters, no conflicts (2 of 4 stars). 2 submissions from 2 submitters: Pathogenic (2). Last evaluated 2026-01-05.

Conditions:
Osteogenesis imperfecta (OI). Identifiers: Orphanet 666, MedGen C0029434, MeSH D010013, MONDO:0019019.
Osteogenesis imperfecta type I (OI1). Also called: OI, TYPE I; OSTEOGENESIS IMPERFECTA TARDA; OSTEOGENESIS IMPERFECTA WITH BLUE SCLERAE; Osteogenesis imperfecta type 1; Lobstein's Disease; Lobstein disease. Identifiers: Orphanet 216796, Orphanet 666, MedGen C0023931, MONDO:0008146, OMIM 166200. Disease mechanism: loss of function.

Submissions (2):

Labcorp Genetics (formerly Invitae), Labcorp
Classification: Pathogenic for Osteogenesis imperfecta type I. Last evaluated: 2026-01-05. Review status: criteria provided, single submitter. Criteria: Invitae Variant Classification Sherloc (09022015). Collection method: clinical testing. Allele origin: germline.
Comment: This sequence change creates a premature translational stop signal (p.Trp1275*) in the COL1A1 gene. It is expected to result in an absent or disrupted protein product. Loss-of-function variants in COL1A1 are known to be pathogenic (PMID: 7942841, 9295084, 9443882). This variant is not present in population databases (gnomAD no frequency). This premature translational stop signal has been observed in individual(s) with osteogenesis imperfecta, type 1 (PMID: 27509835). ClinVar contains an entry for this variant (Variation ID: 456775). For these reasons, this variant has been classified as Pathogenic.

Genome Diagnostics Laboratory, The Hospital for Sick Children
Classification: Pathogenic for Osteogenesis imperfecta. Last evaluated: 2022-06-06. Review status: criteria provided, single submitter. Criteria: ACMG Guidelines, 2015. Collection method: clinical testing. Allele origin: germline.

Literature cited by the submitters: PubMed 7942841 (cited by Labcorp Genetics (formerly Invitae), Labcorp); PubMed 9295084 (cited by Labcorp Genetics (formerly Invitae), Labcorp); PubMed 9443882 (cited by Labcorp Genetics (formerly Invitae), Labcorp); PubMed 27509835 (cited by Labcorp Genetics (formerly Invitae), Labcorp).

NM_000088.4(COL1A1):c.3825G>A (p.Trp1275Ter)

Gene: COL1A1 (collagen type I alpha 1 chain; minus strand). Cytogenetic location: 17q21.33.
Variant type: single nucleotide variant.
Coding change: c.3825G>A on transcript NM_000088.4 (MANE Select); coding-DNA position 3825, G replaced by A.
Protein change: p.Trp1275Ter; replaces tryptophan 1275 with a stop codon.
Molecular consequence: nonsense.
Genome position (GRCh38, 1-based): chr17:50,186,497, C>T on the plus strand (G>A on the coding strand, the complement: COL1A1 is on the minus strand). VCF-style: chr17-50186497-C-T. GRCh37 (hg19) VCF-style: chr17-48263858-C-T.
Other names: short protein forms W1275*.
Identifiers: ClinVar variation 456775 (VCV000456775.12), dbSNP rs1555571766, ClinGen allele CA400193987.